The following is an entry in ClinVar:

NM_014415.4(ZBTB11):c.718C>T (p.Arg240Ter)

Gene: ZBTB11 (zinc finger and BTB domain containing 11; minus strand). Cytogenetic location: 3q12.3.
Variant type: single nucleotide variant.
Coding change: c.718C>T on transcript NM_014415.4 (MANE Select); coding-DNA position 718, C replaced by T.
Protein change: p.Arg240Ter; replaces arginine 240 with a stop codon.
Molecular consequence: nonsense.
Genome position (GRCh38, 1-based): chr3:101,671,190, G>A on the plus strand (C>T on the coding strand, the complement: ZBTB11 is on the minus strand). VCF-style: chr3-101671190-G-A. GRCh37 (hg19) VCF-style: chr3-101390034-G-A.
Other names: c.718C>T (NM_014415.3); short protein forms R240*.
Identifiers: ClinVar variation 2445882 (VCV002445882.2), dbSNP rs1222509693, ClinGen allele CA353882380.

ClinVar aggregate classification (germline): Uncertain significance. Review status: criteria provided, multiple submitters, no conflicts (2 of 4 stars). 2 submissions from 2 submitters: Uncertain significance (2). Last evaluated 2023-02-16.

Allele frequency attached by ClinVar (database versions not stated): gnomAD exomes below 0.00001; gnomAD 0.00001.
gnomAD v4.1: 4 of 1,614,026 alleles (0.00025%); highest among the groups gnomAD compares: African/African-American, 0.0013%; no homozygotes.

Submissions (2):

Women's Health and Genetics/Laboratory Corporation of America, LabCorp
Classification: Uncertain significance. Last evaluated: 2023-02-16. Review status: criteria provided, single submitter. Criteria: LabCorp Variant Classification Summary - May 2015. Collection method: clinical testing. Allele origin: germline.
Comment: Variant summary: ZBTB11 c.718C>T (p.Arg240X) results in a premature termination codon, predicted to cause a truncation of the encoded protein or absence of the protein due to nonsense mediated decay. Truncations have not been reported as pathogenic in ClinVar. The variant was absent in 251350 control chromosomes. To our knowledge, no occurrence of c.718C>T in individuals affected with Intellectual Developmental Disorder, Autosomal Recessive 69 and no experimental evidence demonstrating its impact on protein function have been reported. No clinical diagnostic laboratories have submitted clinical-significance assessments for this variant to ClinVar after 2014. Based on the evidence outlined above, the variant was classified as VUS.

Blueprint Genetics
Classification: Uncertain significance. Last evaluated: 2020-10-28. Review status: criteria provided, single submitter. Criteria: ACMG Guidelines, 2015. Collection method: clinical testing. Allele origin: germline.